The following is an entry in ClinVar:

ClinVar aggregate classification (germline): Uncertain significance (1 of 4 stars; one submission).

Allele frequency attached by ClinVar (database versions not stated): gnomAD exomes 0.00001.
gnomAD v4.1: 12 of 1,605,632 alleles (0.00075%); highest among the groups gnomAD compares: Non-Finnish European, 0.001%; no homozygotes.

Submission:

Labcorp Genetics (formerly Invitae), Labcorp
Classification: Uncertain significance. Last evaluated: 2023-10-13. Review status: criteria provided, single submitter. Criteria: Invitae Variant Classification Sherloc (09022015). Collection method: clinical testing. Allele origin: germline.
Comment: This sequence change replaces proline, which is neutral and non-polar, with serine, which is neutral and polar, at codon 1362 of the COL4A1 protein (p.Pro1362Ser). The frequency data for this variant in the population databases is considered unreliable, as metrics indicate poor data quality at this position in the gnomAD database. This variant has not been reported in the literature in individuals affected with COL4A1-related conditions. An algorithm developed to predict the effect of missense changes on protein structure and function (PolyPhen-2) suggests that this variant is likely to be disruptive. In summary, the available evidence is currently insufficient to determine the role of this variant in disease. Therefore, it has been classified as a Variant of Uncertain Significance.

NM_001845.6(COL4A1):c.4084C>T (p.Pro1362Ser)

Gene: COL4A1 (collagen type IV alpha 1 chain; minus strand). Cytogenetic location: 13q34.
Variant type: single nucleotide variant.
Coding change: c.4084C>T on transcript NM_001845.6 (MANE Select); coding-DNA position 4084, C replaced by T.
Protein change: p.Pro1362Ser; replaces proline 1362 with serine.
Molecular consequence: missense variant.
Genome position (GRCh38, 1-based): chr13:110,164,928, G>A on the plus strand (C>T on the coding strand, the complement: COL4A1 is on the minus strand). VCF-style: chr13-110164928-G-A. GRCh37 (hg19) VCF-style: chr13-110817275-G-A.
Other names: short protein forms P1362S.
Identifiers: ClinVar variation 2869614 (VCV002869614.3), dbSNP rs1404286342, ClinGen allele CA388660145.